The following is an entry in ClinVar:

NM_000426.4(LAMA2):c.7810C>T (p.Arg2604Ter)

Gene: LAMA2 (laminin subunit alpha 2; plus strand). Cytogenetic location: 6q22.33.
Variant type: single nucleotide variant.
Coding change: c.7810C>T on transcript NM_000426.4 (MANE Select); coding-DNA position 7810, C replaced by T.
Protein change: p.Arg2604Ter; replaces arginine 2604 with a stop codon.
Molecular consequence: nonsense.
Genome position (GRCh38, 1-based): chr6:129,486,534, C>T. VCF-style: chr6-129486534-C-T. GRCh37 (hg19) VCF-style: chr6-129807679-C-T.
Other names: c.7798C>T, p.Arg2600Ter (NM_001079823.2); short protein forms R2604*, R2600*.
Identifiers: ClinVar variation 197987 (VCV000197987.21), dbSNP rs766920075, ClinGen allele CA275319.

ClinVar aggregate classification (germline): Pathogenic/Likely pathogenic. Review status: criteria provided, multiple submitters, no conflicts (2 of 4 stars). 8 submissions from 8 submitters: Pathogenic (7); Likely pathogenic (1). Last evaluated 2026-01-27.

Conditions:
Muscular dystrophy, limb-girdle, autosomal recessive 23. Identifiers: Orphanet 565837, MedGen C4748327, MONDO:0029136, OMIM 618138.
Merosin deficient congenital muscular dystrophy (MDC1A). Also called: Congenital merosin-deficient muscular dystrophy 1A; Congenital Muscular Dystrophy Type 1A (MDC1A). Identifiers: Orphanet 258, MedGen C1263858, MONDO:0011925, OMIM 607855.
LAMA2-related muscular dystrophy (LAMA2-RD). Also called: Laminin alpha 2-related dystrophy. Identifiers: MedGen C5679788, MONDO:0100228.

Allele frequency attached by ClinVar (database versions not stated): ExAC 0.00001; TOPMed 0.00001.
gnomAD v4.1: 11 of 1,613,766 alleles (0.00068%); highest among the groups gnomAD compares: Admixed American, 0.0033%; no homozygotes.

Submissions (8):

Labcorp Genetics (formerly Invitae), Labcorp
Classification: Pathogenic for LAMA2-related muscular dystrophy. Last evaluated: 2026-01-27. Review status: criteria provided, single submitter. Criteria: Invitae Variant Classification Sherloc (09022015). Collection method: clinical testing. Allele origin: germline.
Comment: This sequence change creates a premature translational stop signal (p.Arg2604*) in the LAMA2 gene. It is expected to result in an absent or disrupted protein product. Loss-of-function variants in LAMA2 are known to be pathogenic (PMID: 18700894, 32904964). This variant is present in population databases (rs766920075, gnomAD 0.003%). This premature translational stop signal has been observed in individuals with congenital muscular dystrophy (PMID: 24611677, 30301903). It has also been observed to segregate with disease in related individuals. ClinVar contains an entry for this variant (Variation ID: 197987). Algorithms developed to predict the effect of sequence changes on RNA splicing suggest that this variant may disrupt the consensus splice site. For these reasons, this variant has been classified as Pathogenic.

Institute of Medical Genetics and Genomics, Sir Ganga Ram Hospital
Classification: Pathogenic for Merosin deficient congenital muscular dystrophy. Last evaluated: 2025-09-27. Review status: criteria provided, single submitter. Criteria: ACMG Guidelines, 2015. Collection method: clinical testing. Allele origin: germline. Inheritance: Autosomal recessive inheritance. Affected: yes. Observed: 1 heterozygote.

Servicio de Genética Del Instituto Nacional de Salud Del Niño, Ministerio de Salud
Classification: Likely pathogenic for LAMA2-related muscular dystrophy. Last evaluated: 2024-11-18. Review status: criteria provided, single submitter. Criteria: ACMG Guidelines, 2015. Collection method: clinical testing. Allele origin: germline. Inheritance: Autosomal recessive inheritance. Affected: yes.
Comment: These variants may impact protein function, potentially leading to altered biological activity. Based on ACMG/AMP guidelines, these variants should be evaluated for criteria such as PM3 (for compound heterozygosity), PP3 (in silico predictions), and any functional studies supporting pathogenicity. Further clinical correlation and segregation analysis are recommended to clarify their significance.

Genomic Medicine Center of Excellence, King Faisal Specialist Hospital and Research Centre
Classification: Pathogenic for Merosin deficient congenital muscular dystrophy. Last evaluated: 2024-03-25. Review status: criteria provided, single submitter. Criteria: ACMG Guidelines, 2015. Collection method: clinical testing. Allele origin: germline.

Fulgent Genetics
Classification: Pathogenic for Merosin deficient congenital muscular dystrophy; Muscular dystrophy, limb-girdle, autosomal recessive 23. Last evaluated: 2024-03-21. Review status: criteria provided, single submitter. Criteria: ACMG Guidelines, 2015. Collection method: clinical testing. Allele origin: germline.

Baylor Genetics
Classification: Pathogenic for Merosin deficient congenital muscular dystrophy. Last evaluated: 2023-08-29. Review status: criteria provided, single submitter. Criteria: ACMG Guidelines, 2015. Collection method: clinical testing. Allele origin: unknown.

Kariminejad - Najmabadi Pathology & Genetics Center
Classification: Pathogenic for Merosin deficient congenital muscular dystrophy. Last evaluated: 2023-07-15. Review status: criteria provided, single submitter. Criteria: ACMG Guidelines, 2015. Collection method: clinical testing. Allele origin: germline. Inheritance: Autosomal recessive inheritance. Affected: yes.

Eurofins Ntd Llc (ga)
Classification: Pathogenic. Last evaluated: 2014-08-05. Review status: criteria provided, single submitter. Criteria: EGL Classification Definitions 2015. Collection method: clinical testing. Allele origin: germline. Observed: 4 variant alleles, 4 heterozygotes.

Literature cited by the submitters: PubMed 18700894 (cited by Labcorp Genetics (formerly Invitae), Labcorp); PubMed 32904964 (cited by Labcorp Genetics (formerly Invitae), Labcorp); PubMed 24611677 (cited by Labcorp Genetics (formerly Invitae), Labcorp); PubMed 30301903 (cited by Labcorp Genetics (formerly Invitae), Labcorp).